The following is an entry in ClinVar:

ClinVar aggregate classification (germline): Uncertain significance. Review status: criteria provided, single submitter (1 of 4 stars). 2 submissions from 2 submitters: Uncertain significance (1). 1 of the submissions does not count toward it. Last evaluated 2022-11-08.

Conditions:
Familial dysautonomia. Also called: FD; HSAN III. Identifiers: Orphanet 1764, MedGen C0013364, MONDO:0009131, OMIM 223900. Disease mechanism: loss of function.

Allele frequency attached by ClinVar (database versions not stated): gnomAD exomes below 0.00001.
gnomAD v4.1: 1 of 1,613,784 alleles (0.000062%); highest among the groups gnomAD compares: Non-Finnish European, 0.000085%; no homozygotes.

Submissions (2):

Labcorp Genetics (formerly Invitae), Labcorp
Classification: Uncertain significance. Last evaluated: 2022-11-08. Review status: criteria provided, single submitter. Criteria: Invitae Variant Classification Sherloc (09022015). Collection method: clinical testing. Allele origin: germline.
Comment: In summary, the available evidence is currently insufficient to determine the role of this variant in disease. Therefore, it has been classified as a Variant of Uncertain Significance. Advanced modeling of protein sequence and biophysical properties (such as structural, functional, and spatial information, amino acid conservation, physicochemical variation, residue mobility, and thermodynamic stability) performed at Invitae indicates that this missense variant is not expected to disrupt IKBKAP protein function. ClinVar contains an entry for this variant (Variation ID: 526185). This variant has not been reported in the literature in individuals affected with IKBKAP-related conditions. This variant is not present in population databases (gnomAD no frequency). This sequence change replaces alanine, which is neutral and non-polar, with valine, which is neutral and non-polar, at codon 392 of the IKBKAP protein (p.Ala392Val).

Natera, Inc.
Classification: Uncertain significance for Familial dysautonomia. Last evaluated: 2020-01-29. Review status: no assertion criteria provided. Collection method: clinical testing. Allele origin: germline. Not counted in ClinVar's aggregate classification.

NM_003640.5(ELP1):c.1175C>T (p.Ala392Val)

Gene: ELP1 (elongator acetyltransferase complex subunit 1; minus strand). Cytogenetic location: 9q31.3.
Variant type: single nucleotide variant.
Coding change: c.1175C>T on transcript NM_003640.5 (MANE Select); coding-DNA position 1175, C replaced by T.
Protein change: p.Ala392Val; replaces alanine 392 with valine.
Molecular consequence: missense variant.
Genome position (GRCh38, 1-based): chr9:108,912,278, G>A on the plus strand (C>T on the coding strand, the complement: ELP1 is on the minus strand). VCF-style: chr9-108912278-G-A. GRCh37 (hg19) VCF-style: chr9-111674558-G-A.
Other names: c.833C>T, p.Ala278Val (NM_001318360.2); c.128C>T, p.Ala43Val (NM_001330749.2); c.1175C>T (LRG_251t1); short protein forms A392V, A278V, A43V.
Identifiers: ClinVar variation 526185 (VCV000526185.8), dbSNP rs1554699340, ClinGen allele CA374429258.
Genomic context (GRCh38, chr9:108,912,278, plus strand): 5'-CTCAGGACCCCTTGCAGGCTCATGGACACACTTCCCAGGAGCTTACTTCCATCAATGACA[G>A]CCACATTGGACAAGTCACTTGAATTATCTCCCACGCTCCGGTCAGTCGTCCAGTGCCAAT-3'
Protein context (NP_003631.2, residues 382-402): GDNSSDLSNV[Ala392Val]VIDGNRVLVT